The following is an entry in ClinVar:

ClinVar aggregate classification (germline): Likely pathogenic. Review status: criteria provided, multiple submitters, no conflicts (2 of 4 stars). 5 submissions from 5 submitters: Likely pathogenic (3). 2 of the submissions do not count toward it. Last evaluated 2026-05-28.

Conditions:
Cardiovascular phenotype. Identifiers: MedGen CN230736.
Marfan syndrome (MFS). Also called: FBN1-Related Marfan Syndrome; Marfan syndrome type 1; Marfan syndrome, classic; Marfan's syndrome; MARFAN SYNDROME, TYPE I. Identifiers: Orphanet 284963, Orphanet 558, MedGen C0024796, MONDO:0007947, OMIM 154700.
FBN1-related disorder. Also called: FBN1-related disorders.

Submissions (5):

Molecular Diagnostic Laboratory for Inherited Cardiovascular Disease, Montreal Heart Institute
Classification: Likely pathogenic for Cardiovascular phenotype. Last evaluated: 2026-05-28. Review status: criteria provided, single submitter. Criteria: ACMG Guidelines, 2015. Collection method: clinical testing. Allele origin: germline. Affected: yes.
Comment: PM2, PP1, PP2, PP3, PP4

Victorian Clinical Genetics Services, Murdoch Childrens Research Institute
Classification: Likely pathogenic for Marfan syndrome. Last evaluated: 2022-02-02. Review status: criteria provided, single submitter. Criteria: ACMG Guidelines, 2015. Collection method: clinical testing. Allele origin: germline. Inheritance: Autosomal dominant inheritance. Affected: yes.
Comment: Based on the classification scheme VCGS_Germline_v1.3.4, this variant is classified as Likely pathogenic. Following criteria are met: 0103 - Dominant negative and loss of function are known mechanisms of disease in this gene and are associated with FBN1-related conditions. Variants predicted to result in nonsense mediated decay cause loss of function effects, and are more commonly associated with severe Marfan syndrome (MIM#154700). Missense variants with both dominant negative and loss of function effects on protein function, are associated with Marfan syndrome and ectopia lentis (MIM#129600) (OMIM, PMID: 29357934). The exact genotype-phenotype correlation for this gene is still unclear, and is compounded by variable expressivity (PMID: 20301510). (I) 0107 - This gene is predominantly associated with autosomal dominant disease; autosomal recessive forms of Marfan syndrome have been reported infrequently (PMID: 27274304; 31950671). (I) 0115 - Variants in this gene are known to have variable expressivity. The genotype-phenotype correlations for this gene are unclear, with single variants reported in patients with a range of phenotypes (PMID: 20301510, OMIM). (I) 0200 - Variant is predicted to result in a missense amino acid change from arginine to proline. (I) 0251 - This variant is heterozygous. (I) 0301 - Variant is absent from gnomAD (both v2 and v3). (SP) 0309 - An alternative amino acid change at the same position has been observed in gnomAD (v2) (1 heterozygote, 0 homozygotes). (I) 0501 - Missense variant consistently predicted to be damaging by multiple in silico tools or highly conserved with a major amino acid change. (SP) 0604 - Variant is not located in an established domain, motif, hotspot or informative constraint region. (I) 0710 - Another missense variant comparable to the one identified in this case has inconclusive previous evidence for pathogenicity. p.(Arg1596Gln) has been previously reported as a VUS by a clinical laboratory in ClinVar. (I) 0803 - This variant has limited previous evidence of pathogenicity in unrelated individuals. This variant has previously been reported as a VUS by a clinical laboratory in ClinVar, and more recently as pathogenic in one family with several affected members and another unrelated individual with Marfan syndrome (ClinVar, PMID: 33174221, LOVD). (SP) 1007 - No published functional evidence has been identified for this variant. (I) 1102 - Strong phenotype match for this individual. (SP) 1208 - Inheritance information for this variant is not currently available in this individual. (I) Legend: (SP) - Supporting pathogenic, (I) - Information, (SB) - Supporting benign

Blueprint Genetics
Classification: Likely pathogenic for FBN1-related disorders. Last evaluated: 2018-12-19. Review status: criteria provided, single submitter. Criteria: ACMG Guidelines, 2015. Collection method: clinical testing. Allele origin: germline. Affected: yes. Observed: 1 variant allele.

PreventionGenetics, part of Exact Sciences
Classification: Likely pathogenic for FBN1-related condition. Last evaluated: 2024-07-22. Review status: no assertion criteria provided. Collection method: clinical testing. Allele origin: germline. Not counted in ClinVar's aggregate classification.
Comment: The FBN1 c.4787G>C variant is predicted to result in the amino acid substitution p.Arg1596Pro. This variant has been reported in three individuals from a kindred with Marfan syndrome (Hernándiz et al. 2020. PubMed ID: 33174221). This variant has not been reported in a large population database, indicating this variant is rare. Given the evidence, we interpret this variant as likely pathogenic.

Center for Medical Genetics Ghent, University of Ghent
Classification: Uncertain significance for Marfan syndrome. Last evaluated: 2017-11-07. Review status: no assertion criteria provided. Collection method: clinical testing. Allele origin: germline. Affected: yes. Not counted in ClinVar's aggregate classification.

Literature cited by the submitters: NCBI Bookshelf NBK1335 (cited by Victorian Clinical Genetics Services, Murdoch Childrens Research Institute); PubMed 20301510 (cited by Victorian Clinical Genetics Services, Murdoch Childrens Research Institute); PubMed 27274304 (cited by Victorian Clinical Genetics Services, Murdoch Childrens Research Institute); PubMed 29357934 (cited by Victorian Clinical Genetics Services, Murdoch Childrens Research Institute); PubMed 31950671 (cited by Victorian Clinical Genetics Services, Murdoch Childrens Research Institute); PubMed 33174221 (cited by Victorian Clinical Genetics Services, Murdoch Childrens Research Institute).

NM_000138.5(FBN1):c.4787G>C (p.Arg1596Pro)

Gene: FBN1 (fibrillin 1; minus strand). Cytogenetic location: 15q21.1.
Variant type: single nucleotide variant.
Coding change: c.4787G>C on transcript NM_000138.5 (MANE Select); coding-DNA position 4787, G replaced by C.
Protein change: p.Arg1596Pro; replaces arginine 1596 with proline.
Molecular consequence: missense variant.
Genome position (GRCh38, 1-based): chr15:48,465,819, C>G on the plus strand (G>C on the coding strand, the complement: FBN1 is on the minus strand). VCF-style: chr15-48465819-C-G. GRCh37 (hg19) VCF-style: chr15-48758016-C-G.
Other names: short protein forms R1596P.
Identifiers: ClinVar variation 549248 (VCV000549248.6), dbSNP rs769588424, ClinGen allele CA392351671.
Genomic context (GRCh38, chr15:48,465,819, plus strand): 5'-GTGTGCTTTAAGACAAAGGAAACACAATTACCTTCCAATATAACGGTGATAGGATTTGGT[C>G]GGAAACCTTCCCCTCCAGGACAAAGAATTTTGTACTCGGCTATTGAAACAAAAATTCAAA-3'
Protein context (NP_000129.3, residues 1586-1606): KILCPGGEGF[Arg1596Pro]PNPITVILED